The following is an entry in ClinVar:

NM_006766.5(KAT6A):c.3847_3864del (p.Gln1283_Glu1288del)

Gene: KAT6A (lysine acetyltransferase 6A; minus strand). Cytogenetic location: 8p11.21.
Variant type: Deletion.
Coding change: c.3847_3864del on transcript NM_006766.5 (MANE Select); coding-DNA positions 3847 to 3864, 18 bases deleted (CAGAGGCAGTCAGAGGAG).
Protein change: p.Gln1283_Glu1288del.
Molecular consequence: inframe deletion.
Genome position (GRCh38, 1-based): chr8:41,934,356-41,934,373, CTCCTCTGACTGCCTCTG deleted on the plus strand (CAGAGGCAGTCAGAGGAG on the coding strand, the reverse complement: KAT6A is on the minus strand); deleting any 18 consecutive bases within chr8:41,934,356-41,934,382 gives the same sequence; the c. name uses the placement nearest the transcript's 3' end. VCF-style (leftmost placement, unchanged base first): chr8-41934355-CCTCCTCTGACTGCCTCTG-C. GRCh37 (hg19) VCF-style: chr8-41791873-CCTCCTCTGACTGCCTCTG-C.
Identifiers: ClinVar variation 2067761 (VCV002067761.4), dbSNP rs555706857, ClinGen allele CA4729588.

ClinVar aggregate classification (germline): Uncertain significance (1 of 4 stars; one submission).

Submission:

Labcorp Genetics (formerly Invitae), Labcorp
Classification: Uncertain significance. Last evaluated: 2024-08-10. Review status: criteria provided, single submitter. Criteria: Invitae Variant Classification Sherloc (09022015). Collection method: clinical testing. Allele origin: germline.
Comment: This variant, c.3847_3864del, results in the deletion of 6 amino acid(s) of the KAT6A protein (p.Gln1283_Glu1288del), but otherwise preserves the integrity of the reading frame. This variant is present in population databases (rs555706857, gnomAD 0.006%). This variant has not been reported in the literature in individuals affected with KAT6A-related conditions. ClinVar contains an entry for this variant (Variation ID: 2067761). Experimental studies and prediction algorithms are not available or were not evaluated, and the functional significance of this variant is currently unknown. In summary, the available evidence is currently insufficient to determine the role of this variant in disease. Therefore, it has been classified as a Variant of Uncertain Significance.